The following is an entry in ClinVar:

ClinVar aggregate classification (germline): Uncertain significance. Review status: criteria provided, multiple submitters, no conflicts (2 of 4 stars). 2 submissions from 2 submitters: Uncertain significance (2). Last evaluated 2025-08-01.

Conditions:
Heyn-Sproul-Jackson syndrome. Also called: MICROCEPHALY, SHORT STATURE, AND IMPAIRED INTELLECTUAL DEVELOPMENT. Identifiers: Orphanet 658595, MedGen C5231475, MONDO:0032882, OMIM 618724.

gnomAD v4.1: 3 of 1,613,108 alleles (0.00019%); highest among the groups gnomAD compares: Non-Finnish European, 0.00025%; no homozygotes.

Submissions (2):

Clinical Genomics Laboratory, Washington University in St. Louis
Classification: Uncertain significance for Heyn-Sproul-Jackson syndrome. Last evaluated: 2025-08-01. Review status: criteria provided, single submitter. Criteria: ACMG Guidelines, 2015. Collection method: clinical testing. Allele origin: germline.
Comment: The DNMT3A c.2732G>A (p.Cys911Tyr) variant has not been reported in the medical literature to our knowledge. This variant is absent from the general population (gnomAD v.2.1.1), indicating it is not a common variant. Computational predictors indicate that the variant is damaging, evidence that correlates with impact to DNMT3A protein function. Due to limited information, and based on ACMG/AMP guidelines for variant interpretation (Richards S et al., PMID: 25741868), the clinical significance of this variant is uncertain at this time.

ARUP Laboratories, Molecular Genetics and Genomics, ARUP Laboratories
Classification: Uncertain significance. Review status: criteria provided, single submitter. Criteria: ARUP Molecular Germline Variant Investigation Process 2024. Collection method: clinical testing. Allele origin: germline.

NM_022552.5(DNMT3A):c.2732G>A (p.Cys911Tyr)

Gene: DNMT3A (DNA methyltransferase 3 alpha; minus strand). Cytogenetic location: 2p23.3.
Variant type: single nucleotide variant.
Coding change: c.2732G>A on transcript NM_022552.5 (MANE Select); coding-DNA position 2732, G replaced by A.
Protein change: p.Cys911Tyr; replaces cysteine 911 with tyrosine.
Molecular consequence: missense variant. On other transcripts: non-coding transcript variant (1).
Genome position (GRCh38, 1-based): chr2:25,234,286, C>T on the plus strand (G>A on the coding strand, the complement: DNMT3A is on the minus strand). VCF-style: chr2-25234286-C-T. GRCh37 (hg19) VCF-style: chr2-25457155-C-T.
Other names: c.2732G>A, p.Cys911Tyr (NM_175629.2); c.2165G>A, p.Cys722Tyr (NM_153759.3); c.2276G>A, p.Cys759Tyr (NM_001320893.1); c.2063G>A, p.Cys688Tyr (NM_001375819.1); short protein forms C688Y, C722Y, C759Y, C911Y.
Identifiers: ClinVar variation 4279874 (VCV004279874.2).